The following is an entry in ClinVar:

ClinVar aggregate classification (germline): Likely benign. Review status: criteria provided, multiple submitters, no conflicts (2 of 4 stars). 3 submissions from 3 submitters: Likely benign (2). 1 of the submissions does not count toward it. Last evaluated 2025-12-17.

Conditions:
FANCA-related disorder. Also called: FANCA-related condition.
Inborn genetic diseases. Identifiers: MedGen C0950123, MeSH D030342.
Fanconi anemia (FA). Also called: Fanconi's anemia. Identifiers: Orphanet 84, MedGen C0015625, MeSH D005199, MONDO:0019391.

Allele frequency attached by ClinVar (database versions not stated): TOPMed 0.00001; ExAC 0.00003; gnomAD exomes 0.00002.
gnomAD v4.1: 26 of 1,614,136 alleles (0.0016%); highest among the groups gnomAD compares: South Asian, 0.012%; no homozygotes.

Submissions (3):

Labcorp Genetics (formerly Invitae), Labcorp
Classification: Likely benign for Fanconi anemia. Last evaluated: 2025-12-17. Review status: criteria provided, single submitter. Criteria: Invitae Variant Classification Sherloc (09022015). Collection method: clinical testing. Allele origin: germline.

Ambry Genetics
Classification: Likely benign for Inborn genetic diseases. Last evaluated: 2025-06-19. Review status: criteria provided, single submitter. Criteria: Ambry Variant Classification Scheme 2023. Collection method: clinical testing. Allele origin: germline.

PreventionGenetics, part of Exact Sciences
Classification: Likely benign for FANCA-related condition. Last evaluated: 2019-03-20. Review status: no assertion criteria provided. Collection method: clinical testing. Allele origin: germline. Not counted in ClinVar's aggregate classification.
Comment: This variant is classified as likely benign based on ACMG/AMP sequence variant interpretation guidelines (Richards et al. 2015 PMID: 25741868, with internal and published modifications).

NM_000135.4(FANCA):c.3456C>T (p.Val1152=)

Gene: FANCA (FA complementation group A; minus strand). Cytogenetic location: 16q24.3.
Variant type: single nucleotide variant.
Coding change: c.3456C>T on transcript NM_000135.4 (MANE Select); coding-DNA position 3456, C replaced by T.
Protein change: p.Val1152=; no amino-acid change (valine 1152 retained).
Molecular consequence: synonymous variant.
Genome position (GRCh38, 1-based): chr16:89,746,641, G>A on the plus strand (C>T on the coding strand, the complement: FANCA is on the minus strand). VCF-style: chr16-89746641-G-A. GRCh37 (hg19) VCF-style: chr16-89813049-G-A.
Other names: c.3456C>T, p.Val1152= (NM_001286167.3).
Identifiers: ClinVar variation 2873025 (VCV002873025.6), dbSNP rs530619438, ClinGen allele CA8251147.